The following is an entry in ClinVar:

ClinVar aggregate classification (germline): Uncertain significance (1 of 4 stars; one submission).

Conditions:
TTC21B-related disorder. Also called: TTC21B-related condition; TTC21B-related disorders.

Submission:

PreventionGenetics, part of Exact Sciences
Classification: Uncertain significance for TTC21B-related condition. Last evaluated: 2025-03-26. Review status: criteria provided, single submitter. Criteria: ACMG Guidelines, 2015. Collection method: clinical testing. Allele origin: germline.
Comment: The TTC21B c.2105G>A variant is predicted to result in the amino acid substitution p.Arg702Lys. To our knowledge, this variant has not been reported in the literature or in a large population database (gnomAD), indicating this variant is rare. At this time, the clinical significance of this variant is uncertain due to the absence of conclusive functional and genetic evidence.

NM_024753.5(TTC21B):c.2105G>A (p.Arg702Lys)

Gene: TTC21B (tetratricopeptide repeat domain 21B; minus strand). Cytogenetic location: 2q24.3.
Variant type: single nucleotide variant.
Coding change: c.2105G>A on transcript NM_024753.5 (MANE Select); coding-DNA position 2105, G replaced by A.
Protein change: p.Arg702Lys; replaces arginine 702 with lysine.
Molecular consequence: missense variant.
Genome position (GRCh38, 1-based): chr2:165,915,234, C>T on the plus strand (G>A on the coding strand, the complement: TTC21B is on the minus strand). VCF-style: chr2-165915234-C-T. GRCh37 (hg19) VCF-style: chr2-166771744-C-T.
Other names: short protein forms R702K.
Identifiers: ClinVar variation 4999681 (VCV004999681.1).